The following is an entry in ClinVar:

ClinVar aggregate classification (germline): Uncertain significance (1 of 4 stars; one submission).

Allele frequency attached by ClinVar (database versions not stated): gnomAD exomes below 0.00001.
gnomAD v4.1: 1 of 1,614,176 alleles (0.000062%); highest among the groups gnomAD compares: Admixed American, 0.0017%; no homozygotes.

Submission:

Labcorp Genetics (formerly Invitae), Labcorp
Classification: Uncertain significance. Last evaluated: 2022-08-15. Review status: criteria provided, single submitter. Criteria: Invitae Variant Classification Sherloc (09022015). Collection method: clinical testing. Allele origin: germline.
Comment: This variant is present in population databases (no rsID available, gnomAD 0.003%). This variant has not been reported in the literature in individuals affected with TRMT5-related conditions. Algorithms developed to predict the effect of missense changes on protein structure and function are either unavailable or do not agree on the potential impact of this missense change (SIFT: "Deleterious"; PolyPhen-2: "Probably Damaging"; Align-GVGD: "Class C0"). In summary, the available evidence is currently insufficient to determine the role of this variant in disease. Therefore, it has been classified as a Variant of Uncertain Significance. This sequence change replaces proline, which is neutral and non-polar, with threonine, which is neutral and polar, at codon 457 of the TRMT5 protein (p.Pro457Thr).

NM_020810.3(TRMT5):c.1369C>A (p.Pro457Thr)

Gene: TRMT5 (tRNA methyltransferase 5; minus strand). Cytogenetic location: 14q23.1.
Variant type: single nucleotide variant.
Coding change: c.1369C>A on transcript NM_020810.3 (MANE Select); coding-DNA position 1369, C replaced by A.
Protein change: p.Pro457Thr; replaces proline 457 with threonine.
Molecular consequence: missense variant.
Genome position (GRCh38, 1-based): chr14:60,975,550, G>T on the plus strand (C>A on the coding strand, the complement: TRMT5 is on the minus strand). VCF-style: chr14-60975550-G-T. GRCh37 (hg19) VCF-style: chr14-61442268-G-T.
Other names: c.1453C>A, p.Pro485Thr (NM_001350253.1); c.1450C>A, p.Pro484Thr (NM_001350254.1); short protein forms P457T, P484T, P485T.
Identifiers: ClinVar variation 1958542 (VCV001958542.5), dbSNP rs1285295322, ClinGen allele CA389918830.